The following is an entry in ClinVar:

ClinVar aggregate classification (germline): Uncertain significance. Review status: criteria provided, multiple submitters, no conflicts (2 of 4 stars). 2 submissions from 2 submitters: Uncertain significance (2). Last evaluated 2025-03-03.

Conditions:
Inborn genetic diseases. Identifiers: MedGen C0950123, MeSH D030342.
Glycogen storage disease due to phosphoglycerate kinase 1 deficiency. Also called: PGK1 DEFICIENCY; PHOSPHOGLYCERATE KINASE 1 DEFICIENCY WITH LEVO-DOPA-RESPONSIVE PARKINSONISM. Identifiers: Orphanet 713, MedGen C1970848, MONDO:0010392, OMIM 300653.

gnomAD v4.1: 1 of 1,204,040 alleles (0.000083%); highest among the groups gnomAD compares: African/African-American, 0.0018%; no homozygotes.

Submissions (2):

Institute of Immunology and Genetics Kaiserslautern
Classification: Uncertain significance for Glycogen storage disease due to phosphoglycerate kinase 1 deficiency. Last evaluated: 2025-03-03. Review status: criteria provided, single submitter. Criteria: ACMG Guidelines, 2015. Collection method: clinical testing. Allele origin: maternal. Affected: yes.
Comment: ACMG Criteria: PM2_P, PP3 ; Variant was found in heterozygous state.

Ambry Genetics
Classification: Uncertain significance for Inborn genetic diseases. Last evaluated: 2024-05-16. Review status: criteria provided, single submitter. Criteria: Ambry Variant Classification Scheme 2023. Collection method: clinical testing. Allele origin: germline.

NM_000291.4(PGK1):c.476A>G (p.Asp159Gly)

Gene: PGK1 (phosphoglycerate kinase 1; plus strand). Cytogenetic location: Xq21.1.
Variant type: single nucleotide variant.
Coding change: c.476A>G on transcript NM_000291.4 (MANE Select); coding-DNA position 476, A replaced by G.
Protein change: p.Asp159Gly; replaces aspartic acid 159 with glycine.
Molecular consequence: missense variant.
Genome position (GRCh38, 1-based): chrX:78,117,370, A>G. VCF-style: chrX-78117370-A-G. GRCh37 (hg19) VCF-style: chrX-77372867-A-G.
Other names: short protein forms D159G.
Identifiers: ClinVar variation 3305979 (VCV003305979.2).